The following is an entry in ClinVar:

NM_033087.4(ALG2):c.202G>A (p.Val68Met)

Gene: ALG2 (ALG2 alpha-1,3/1,6-mannosyltransferase; minus strand). Cytogenetic location: 9q22.33.
Variant type: single nucleotide variant.
Coding change: c.202G>A on transcript NM_033087.4 (MANE Select); coding-DNA position 202, G replaced by A.
Protein change: p.Val68Met; replaces valine 68 with methionine.
Molecular consequence: missense variant. On other transcripts: non-coding transcript variant (1).
Genome position (GRCh38, 1-based): chr9:99,221,693, C>T on the plus strand (G>A on the coding strand, the complement: ALG2 is on the minus strand). VCF-style: chr9-99221693-C-T. GRCh37 (hg19) VCF-style: chr9-101983975-C-T.
Other names: c.202G>A (NM_033087.3); short protein forms V68M.
Identifiers: ClinVar variation 1000582 (VCV001000582.7), dbSNP rs770103603, ClinGen allele CA5156448.

ClinVar aggregate classification (germline): Uncertain significance. Review status: criteria provided, multiple submitters, no conflicts (2 of 4 stars). 3 submissions from 3 submitters: Uncertain significance (3). Last evaluated 2024-10-08.

Conditions:
Inborn genetic diseases. Identifiers: MedGen C0950123, MeSH D030342.
Congenital disorder of glycosylation, type Ii. Also called: ALG2-CDG; CDG Ii; ALG2-congenital disorder of glycosylation. Identifiers: Orphanet 79326, MedGen C1842836, MONDO:0011933, OMIM 607906.
Congenital myasthenic syndrome 14. Also called: Myasthenic syndrome, congenital, 14, with tubular aggregates. Identifiers: Orphanet 353327, Orphanet 590, MedGen C4015597, MONDO:0014543, OMIM 616228.

Allele frequency attached by ClinVar (database versions not stated): gnomAD 0.00001; TOPMed 0.00002; ExAC below 0.00001; gnomAD exomes 0.00003 and 0.00001.

Submissions (3):

Ambry Genetics
Classification: Uncertain significance for Inborn genetic diseases. Last evaluated: 2024-10-08. Review status: criteria provided, single submitter. Criteria: Ambry Variant Classification Scheme 2023. Collection method: clinical testing. Allele origin: germline.

Baylor Genetics
Classification: Uncertain significance for Congenital disorder of glycosylation, type Ii. Last evaluated: 2024-03-11. Review status: criteria provided, single submitter. Criteria: ACMG Guidelines, 2015. Collection method: clinical testing. Allele origin: unknown.

Labcorp Genetics (formerly Invitae), Labcorp
Classification: Uncertain significance for Congenital disorder of glycosylation, type Ii; Congenital myasthenic syndrome 14. Last evaluated: 2023-10-05. Review status: criteria provided, single submitter. Criteria: Invitae Variant Classification Sherloc (09022015). Collection method: clinical testing. Allele origin: germline.
Comment: This sequence change replaces valine, which is neutral and non-polar, with methionine, which is neutral and non-polar, at codon 68 of the ALG2 protein (p.Val68Met). This variant is present in population databases (rs770103603, gnomAD 0.005%). This variant has not been reported in the literature in individuals affected with ALG2-related conditions. ClinVar contains an entry for this variant (Variation ID: 1000582). An algorithm developed to predict the effect of missense changes on protein structure and function (PolyPhen-2) suggests that this variant is likely to be disruptive. In summary, the available evidence is currently insufficient to determine the role of this variant in disease. Therefore, it has been classified as a Variant of Uncertain Significance.